The following is an entry in ClinVar:

NM_020247.5(COQ8A):c.1047G>A (p.Met349Ile)

Gene: COQ8A (coenzyme Q8A; plus strand). Cytogenetic location: 1q42.13.
Variant type: single nucleotide variant.
Coding change: c.1047G>A on transcript NM_020247.5 (MANE Select); coding-DNA position 1047, G replaced by A.
Protein change: p.Met349Ile; replaces methionine 349 with isoleucine.
Molecular consequence: missense variant.
Genome position (GRCh38, 1-based): chr1:226,983,001, G>A. VCF-style: chr1-226983001-G-A. GRCh37 (hg19) VCF-style: chr1-227170702-G-A.
Other names: short protein forms M349I.
Identifiers: ClinVar variation 1338924 (VCV001338924.3), dbSNP rs1473665143, ClinGen allele CA345053073.

ClinVar aggregate classification (germline): Uncertain significance. Review status: criteria provided, multiple submitters, no conflicts (2 of 4 stars). 2 submissions from 2 submitters: Uncertain significance (2). Last evaluated 2022-05-16.

Conditions:
Autosomal recessive ataxia due to ubiquinone deficiency. Also called: SPINOCEREBELLAR ATAXIA, AUTOSOMAL RECESSIVE 9; Coenzyme Q10 deficiency, primary, 4. Identifiers: Orphanet 139485, MedGen C2677589, MONDO:0012784, OMIM 612016.

Allele frequency attached by ClinVar (database versions not stated): gnomAD exomes below 0.00001 and 0.00002; TOPMed 0.00001.
gnomAD v4.1: 7 of 1,597,696 alleles (0.00044%); highest among the groups gnomAD compares: Non-Finnish European, 0.00043%; no homozygotes.

Submissions (2):

Fulgent Genetics
Classification: Uncertain significance for Autosomal recessive ataxia due to ubiquinone deficiency. Last evaluated: 2022-05-16. Review status: criteria provided, single submitter. Criteria: ACMG Guidelines, 2015. Collection method: clinical testing. Allele origin: unknown.

GeneDx
Classification: Uncertain significance. Last evaluated: 2022-01-31. Review status: criteria provided, single submitter. Criteria: GeneDx Variant Classification Process June 2021. Collection method: clinical testing. Allele origin: germline. Affected: yes.
Comment: Not observed at significant frequency in large population cohorts (gnomAD); In silico analysis supports that this missense variant does not alter protein structure/function; Has not been previously published as pathogenic or benign to our knowledge